The following is an entry in ClinVar:

NM_001447.3(FAT2):c.1277G>A (p.Arg426Lys)

Gene: FAT2 (FAT atypical cadherin 2; minus strand). Cytogenetic location: 5q33.1.
Variant type: single nucleotide variant.
Coding change: c.1277G>A on transcript NM_001447.3 (MANE Select); coding-DNA position 1277, G replaced by A.
Protein change: p.Arg426Lys; replaces arginine 426 with lysine.
Molecular consequence: missense variant.
Genome position (GRCh38, 1-based): chr5:151,567,655, C>T on the plus strand (G>A on the coding strand, the complement: FAT2 is on the minus strand). VCF-style: chr5-151567655-C-T. GRCh37 (hg19) VCF-style: chr5-150947216-C-T.
Other names: short protein forms R426K.
Identifiers: ClinVar variation 2066022 (VCV002066022.29), dbSNP rs140673312, ClinGen allele CA3522280.
Genomic context (GRCh38, chr5:151,567,655, plus strand): 5'-ATGACCACCACGGTGGAGGCCTGGCCCGGTGAGGTTCTGATGTGTAGCTGATAGTGGGCT[C>T]TGTCGTGGAAGTCCATGAGCTTTGTGGTGGTGATCAACCCAGTTCGAGCATTAAGTTTAA-3'
Protein context (NP_001438.1, residues 416-436): TTTKLMDFHD[Arg426Lys]AHYQLHIRTS

ClinVar aggregate classification (germline): Conflicting classifications of pathogenicity. Review status: criteria provided, conflicting classifications (1 of 4 stars). 4 submissions from 4 submitters: Uncertain significance (3); Likely benign (1). Last evaluated 2025-01-18.

Allele frequency attached by ClinVar (database versions not stated): gnomAD 0.00011; TOPMed 0.00013; ESP Exome Variant Server 0.00015; gnomAD exomes 0.00015; 1000 Genomes Project 30x 0.00031; 1000 Genomes Project 0.00040.
gnomAD v4.1: 243 of 1,614,132 alleles (0.015%); highest among the groups gnomAD compares: Admixed American, 0.023%; no homozygotes.

Submissions (4):

Ambry Genetics
Classification: Uncertain significance. Last evaluated: 2025-01-18. Review status: criteria provided, single submitter. Criteria: Ambry Variant Classification Scheme 2023. Collection method: clinical testing. Allele origin: germline.

Women's Health and Genetics/Laboratory Corporation of America, LabCorp
Classification: Uncertain significance. Last evaluated: 2023-10-11. Review status: criteria provided, single submitter. Criteria: LabCorp Variant Classification Summary - May 2015. Collection method: clinical testing. Allele origin: germline.
Comment: Variant summary: FAT2 c.1277G>A (p.Arg426Lys) results in a conservative amino acid change located in the Cadherin-like domain (IPR002126) of the encoded protein sequence. Five of five in-silico tools predict a benign effect of the variant on protein function. The variant allele was found at a frequency of 0.00013 in 251376 control chromosomes (gnomAD). This frequency is not significantly higher than estimated for a pathogenic variant in FAT2 causing Spinocerebellar Ataxia 45 (0.00013 vs ND), allowing no conclusion about variant significance. To our knowledge, no occurrence of c.1277G>A in individuals affected with Spinocerebellar Ataxia 45 and no experimental evidence demonstrating its impact on protein function have been reported. Two submitters have cited clinical-significance assessments for this variant to ClinVar after 2014. All submitters classified the variant as uncertain significance. Based on the evidence outlined above, the variant was classified as uncertain significance.

CeGaT Center for Human Genetics Tuebingen
Classification: Likely benign. Last evaluated: 2023-08-01. Review status: criteria provided, single submitter. Criteria: CeGaT Center For Human Genetics Tuebingen Variant Classification Criteria Version 2. Collection method: clinical testing. Allele origin: germline. Affected: yes. Observed: 1 variant allele.
Comment: FAT2: BP4

Labcorp Genetics (formerly Invitae), Labcorp
Classification: Uncertain significance. Last evaluated: 2022-08-27. Review status: criteria provided, single submitter. Criteria: Invitae Variant Classification Sherloc (09022015). Collection method: clinical testing. Allele origin: germline.
Comment: In summary, the available evidence is currently insufficient to determine the role of this variant in disease. Therefore, it has been classified as a Variant of Uncertain Significance. Algorithms developed to predict the effect of missense changes on protein structure and function (SIFT, PolyPhen-2, Align-GVGD) all suggest that this variant is likely to be tolerated. This variant has not been reported in the literature in individuals affected with FAT2-related conditions. This variant is present in population databases (rs140673312, gnomAD 0.02%). This sequence change replaces arginine, which is basic and polar, with lysine, which is basic and polar, at codon 426 of the FAT2 protein (p.Arg426Lys).